The following is an entry in ClinVar:

NM_022124.6(CDH23):c.3902T>A (p.Ile1301Asn)

Genes: C10orf105 (chromosome 10 open reading frame 105; minus strand), CDH23 (cadherin related 23; plus strand). Cytogenetic location: 10q22.1.
Variant type: single nucleotide variant.
Coding change: c.3902T>A on transcript NM_022124.6 (MANE Select); coding-DNA position 3902, T replaced by A.
Protein change: p.Ile1301Asn; replaces isoleucine 1301 with asparagine.
Molecular consequence: missense variant. On other transcripts: intron variant (1).
Genome position (GRCh38, 1-based): chr10:71,732,173, T>A. VCF-style: chr10-71732173-T-A. GRCh37 (hg19) VCF-style: chr10-73491930-T-A.
Other names: c.3902T>A, p.Ile1301Asn (NM_001171930.2); c.-6+5555A>T (NM_001168390.2); short protein forms I1301N.
Identifiers: ClinVar variation 1474437 (VCV001474437.9), dbSNP rs534333798, ClinGen allele CA377156502.
Genomic context (GRCh38, chr10:71,732,173, plus strand): 5'-TGAATGTGTCGGCCACTGACCAGGCCCCGCCCTTCAACCAGGGCTTCTGCAGCGTCTACA[T>A]CACTCTGCTCAACGAGCTGGACGAGGCCGTGCAGTTCTCCAATGCCTCATACGAGGCTGC-3'
Protein context (NP_071407.4, residues 1291-1311): PFNQGFCSVY[Ile1301Asn]TLLNELDEAV

ClinVar aggregate classification (germline): Uncertain significance. Review status: criteria provided, multiple submitters, no conflicts (2 of 4 stars). 2 submissions from 2 submitters: Uncertain significance (2). Last evaluated 2024-01-24.

Conditions:
Inborn genetic diseases. Identifiers: MedGen C0950123, MeSH D030342.

Allele frequency attached by ClinVar (database versions not stated): gnomAD exomes below 0.00001.
gnomAD v4.1: 1 of 1,613,930 alleles (0.000062%); highest among the groups gnomAD compares: Non-Finnish European, 0.000085%; no homozygotes.

Submissions (2):

Ambry Genetics
Classification: Uncertain significance for Inborn genetic diseases. Last evaluated: 2024-01-24. Review status: criteria provided, single submitter. Criteria: Ambry Variant Classification Scheme 2023. Collection method: clinical testing. Allele origin: germline.

Labcorp Genetics (formerly Invitae), Labcorp
Classification: Uncertain significance. Last evaluated: 2023-08-10. Review status: criteria provided, single submitter. Criteria: Invitae Variant Classification Sherloc (09022015). Collection method: clinical testing. Allele origin: germline.
Comment: This variant is present in population databases (no rsID available, gnomAD 0.0009%). This sequence change replaces isoleucine, which is neutral and non-polar, with asparagine, which is neutral and polar, at codon 1301 of the CDH23 protein (p.Ile1301Asn). This variant has not been reported in the literature in individuals affected with CDH23-related conditions. In summary, the available evidence is currently insufficient to determine the role of this variant in disease. Therefore, it has been classified as a Variant of Uncertain Significance. Advanced modeling of protein sequence and biophysical properties (such as structural, functional, and spatial information, amino acid conservation, physicochemical variation, residue mobility, and thermodynamic stability) has been performed at Invitae for this missense variant, however the output from this modeling did not meet the statistical confidence thresholds required to predict the impact of this variant on CDH23 protein function. ClinVar contains an entry for this variant (Variation ID: 1474437).